The following is an entry in ClinVar:

NC_000018.9:g.(?_21115552)_(21120958_?)del

Gene: NPC1 (NPC intracellular cholesterol transporter 1; minus strand). Cytogenetic location: 18q11.2.
Variant type: Deletion.
Identifiers: ClinVar variation 3242770 (VCV003242770.1).

ClinVar aggregate classification (germline): Pathogenic (1 of 4 stars; one submission).

Conditions:
Niemann-Pick disease, type C1. Also called: NEUROVISCERAL STORAGE DISEASE WITH VERTICAL SUPRANUCLEAR OPHTHALMOPLEGIA; NIEMANN-PICK DISEASE WITH CHOLESTEROL ESTERIFICATION BLOCK; NIEMANN-PICK DISEASE WITHOUT SPHINGOMYELINASE DEFICIENCY; NIEMANN-PICK DISEASE, CHRONIC NEURONOPATHIC FORM; NIEMANN-PICK DISEASE, VARIANT TYPE C1. Identifiers: Orphanet 646, MedGen C3179455, MONDO:0009757, OMIM 257220.

Submission:

Labcorp Genetics (formerly Invitae), Labcorp
Classification: Pathogenic for Niemann-Pick disease, type C1. Last evaluated: 2023-11-21. Review status: criteria provided, single submitter. Criteria: Invitae Variant Classification Sherloc (09022015). Collection method: clinical testing. Allele origin: unknown.
Comment: This variant results in the deletion of exons 17-21 and part of exon 22 (c.2514+74_3358delinsT) of the NPC1 gene. It is expected to disrupt RNA splicing. Variants that disrupt the donor or acceptor splice site typically lead to a loss of protein function (PMID: 16199547), and loss-of-function variants in NPC1 are known to be pathogenic (PMID: 9211850). This variant has not been reported in the literature in individuals affected with NPC1-related conditions. This variant disrupts a region of the NPC1 protein in which other variant(s) (p.Ile1061Thr) have been determined to be pathogenic (PMID: 10521297, 16126423, 20521171, 25149939). This suggests that this is a clinically significant region of the protein, and that variants that disrupt it are likely to be disease-causing. For these reasons, this variant has been classified as Pathogenic.

Literature cited by the submitters: PubMed 16199547; PubMed 9211850; PubMed 10521297; PubMed 16126423; PubMed 20521171; PubMed 25149939.